The following is an entry in ClinVar:

NM_004655.4(AXIN2):c.1820A>G (p.Gln607Arg)

Gene: AXIN2 (axin 2; minus strand). Cytogenetic location: 17q24.1.
Variant type: single nucleotide variant.
Coding change: c.1820A>G on transcript NM_004655.4 (MANE Select); coding-DNA position 1820, A replaced by G.
Protein change: p.Gln607Arg; replaces glutamine 607 with arginine.
Molecular consequence: missense variant. On other transcripts: intron variant (1).
Genome position (GRCh38, 1-based): chr17:65,536,956, T>C on the plus strand (A>G on the coding strand, the complement: AXIN2 is on the minus strand). VCF-style: chr17-65536956-T-C. GRCh37 (hg19) VCF-style: chr17-63533074-T-C.
Other names: c.1712+368A>G (NM_001363813.1); short protein forms Q607R.
Identifiers: ClinVar variation 2855447 (VCV002855447.4), dbSNP rs2509407609, ClinGen allele CA400676562.

ClinVar aggregate classification (germline): Uncertain significance. Review status: criteria provided, multiple submitters, no conflicts (2 of 4 stars). 2 submissions from 2 submitters: Uncertain significance (2). Last evaluated 2026-07-06.

Conditions:
Oligodontia-cancer predisposition syndrome. Also called: TOOTH AGENESIS-COLORECTAL CANCER SYNDROME. Identifiers: Orphanet 300576, MedGen C1837750, MONDO:0012075, OMIM 608615. Disease mechanism: loss of function.
Hereditary cancer-predisposing syndrome. Also called: Hereditary Cancer Syndrome; Hereditary neoplastic syndrome; Neoplastic Syndromes, Hereditary; Tumor predisposition. Identifiers: Orphanet 140162, MedGen C0027672, MeSH D009386, MONDO:0015356.

Submissions (2):

Ambry Genetics
Classification: Uncertain significance for Hereditary cancer-predisposing syndrome. Last evaluated: 2026-07-06. Review status: criteria provided, single submitter. Criteria: Ambry Variant Classification Scheme 2023. Collection method: clinical testing. Allele origin: germline.
Comment: The p.Q607R variant (also known as c.1820A>G), located in coding exon 6 of the AXIN2 gene, results from an A to G substitution at nucleotide position 1820. The glutamine at codon 607 is replaced by arginine, an amino acid with highly similar properties. This amino acid position is conserved. In addition, this alteration is predicted to be tolerated by in silico analysis. Based on the available evidence, the clinical significance of this variant remains unclear.

Labcorp Genetics (formerly Invitae), Labcorp
Classification: Uncertain significance for Oligodontia-cancer predisposition syndrome. Last evaluated: 2024-08-01. Review status: criteria provided, single submitter. Criteria: Invitae Variant Classification Sherloc (09022015). Collection method: clinical testing. Allele origin: germline.
Comment: This sequence change replaces glutamine, which is neutral and polar, with arginine, which is basic and polar, at codon 607 of the AXIN2 protein (p.Gln607Arg). This variant is not present in population databases (gnomAD no frequency). This variant has not been reported in the literature in individuals affected with AXIN2-related conditions. An algorithm developed to predict the effect of missense changes on protein structure and function (PolyPhen-2) suggests that this variant is likely to be tolerated. In summary, the available evidence is currently insufficient to determine the role of this variant in disease. Therefore, it has been classified as a Variant of Uncertain Significance.